The following is an entry in ClinVar:

ClinVar aggregate classification (germline): Pathogenic (1 of 4 stars; one submission).

Submission:

Athena Diagnostics
Classification: Pathogenic. Last evaluated: 2019-05-09. Review status: criteria provided, single submitter. Criteria: Athena Diagnostics Criteria. Collection method: clinical testing. Allele origin: germline.
Comment: The variant results in a shift of the reading frame, and is therefore predicted to result in the loss of a functional protein. Found in at least one symptomatic patient, and not found in general population data.

NM_000444.6(PHEX):c.282del (p.Glu96fs)

Gene: PHEX (phosphate regulating endopeptidase X-linked; plus strand). Cytogenetic location: Xp22.11.
Variant type: Deletion.
Coding change: c.282del on transcript NM_000444.6 (MANE Select); coding-DNA position 282, one base deleted (T; older notation c.282delT).
Protein change: p.Glu96fs; shifts the reading frame from glutamic acid 96.
Molecular consequence: frameshift variant.
Genome position (GRCh38, 1-based): chrX:22,047,144, T deleted; the last of 2 consecutive T bases (chrX:22,047,143-22,047,144); deleting either gives the same sequence. VCF-style (leftmost placement, unchanged base first): chrX-22047142-AT-A. GRCh37 (hg19) VCF-style: chrX-22065260-AT-A.
Other names: c.282del, p.Glu96fs (NM_001282754.2); short protein forms E96fs.
Identifiers: ClinVar variation 805127 (VCV000805127.1), dbSNP rs1602251992, ClinGen allele CA915950887.